The following is an entry in ClinVar:

ClinVar aggregate classification (germline): Uncertain significance (1 of 4 stars; one submission).

Conditions:
DiGeorge syndrome. Also called: Catch22; THIRD AND FOURTH PHARYNGEAL POUCH SYNDROME. Identifiers: Orphanet 567, MedGen C0012236, MONDO:0008564, OMIM 188400.

Allele frequency attached by ClinVar (database versions not stated): gnomAD below 0.00001 and 0.00001; TOPMed below 0.00001; gnomAD exomes 0.00001 and 0.00003; ExAC 0.00002; 1000 Genomes Project 30x 0.00016; 1000 Genomes Project 0.00020.
gnomAD v4.1: 21 of 1,614,202 alleles (0.0013%); highest among the groups gnomAD compares: South Asian, 0.023%; no homozygotes.

Submission:

Labcorp Genetics (formerly Invitae), Labcorp
Classification: Uncertain significance for DiGeorge syndrome. Last evaluated: 2026-01-26. Review status: criteria provided, single submitter. Criteria: Invitae Variant Classification Sherloc (09022015). Collection method: clinical testing. Allele origin: germline.
Comment: This sequence change replaces glutamic acid, which is acidic and polar, with glutamine, which is neutral and polar, at codon 253 of the TBX1 protein (p.Glu253Gln). This variant is present in population databases (rs553807294, gnomAD 0.02%). This variant has not been reported in the literature in individuals affected with TBX1-related conditions. ClinVar contains an entry for this variant (Variation ID: 1014465). Invitae Evidence Modeling of protein sequence and biophysical properties (such as structural, functional, and spatial information, amino acid conservation, physicochemical variation, residue mobility, and thermodynamic stability) indicates that this missense variant is not expected to disrupt TBX1 protein function with a negative predictive value of 80%. In summary, the available evidence is currently insufficient to determine the role of this variant in disease. Therefore, it has been classified as a Variant of Uncertain Significance.

NM_001379200.1(TBX1):c.784G>C (p.Glu262Gln)

Gene: TBX1 (T-box transcription factor 1; plus strand). Cytogenetic location: 22q11.21.
Variant type: single nucleotide variant.
Coding change: c.784G>C on transcript NM_001379200.1 (MANE Select); coding-DNA position 784, G replaced by C.
Protein change: p.Glu262Gln; replaces glutamic acid 262 with glutamine.
Molecular consequence: missense variant.
Genome position (GRCh38, 1-based): chr22:19,765,030, G>C. VCF-style: chr22-19765030-G-C. GRCh37 (hg19) VCF-style: chr22-19752553-G-C.
Other names: c.757G>C, p.Glu253Gln (NM_005992.1, NM_080646.2, NM_080647.1); short protein forms E253Q, E262Q.
Identifiers: ClinVar variation 1014465 (VCV001014465.9), dbSNP rs553807294, ClinGen allele CA10102556.